The following is an entry in ClinVar:

NM_001845.6(COL4A1):c.1285+32G>T

Gene: COL4A1 (collagen type IV alpha 1 chain; minus strand). Cytogenetic location: 13q34.
Variant type: single nucleotide variant.
Coding change: c.1285+32G>T on transcript NM_001845.6 (MANE Select); 32 bases into the intron after coding-DNA position 1285, G replaced by T.
Molecular consequence: intron variant.
Genome position (GRCh38, 1-based): chr13:110,198,435, C>A on the plus strand (G>T on the coding strand, the complement: COL4A1 is on the minus strand). VCF-style: chr13-110198435-C-A. GRCh37 (hg19) VCF-style: chr13-110850782-C-A.
Other names: c.1285+32G>T (NM_001303110.2).
Identifiers: ClinVar variation 2643944 (VCV002643944.24), dbSNP rs147207534, ClinGen allele CA7048003.

ClinVar aggregate classification (germline): Likely benign (1 of 4 stars; one submission).

Allele frequency attached by ClinVar (database versions not stated): 1000 Genomes Project 0.00100; 1000 Genomes Project 30x 0.00109; ExAC 0.00155; gnomAD 0.00172; ESP Exome Variant Server 0.00292.
gnomAD v4.1: 4,632 of 1,612,458 alleles (0.29%); highest among the groups gnomAD compares: Non-Finnish European, 0.34%; 14 homozygotes.

Submission:

CeGaT Center for Human Genetics Tuebingen
Classification: Likely benign. Last evaluated: 2026-08-01. Review status: criteria provided, single submitter. Criteria: CeGaT Center For Human Genetics Tuebingen Variant Classification Criteria Version 2. Collection method: clinical testing. Allele origin: germline. Affected: yes. Observed: 9 variant alleles.
Comment: COL4A1: BP4, BP7, BS1